The following is an entry in ClinVar:

ClinVar aggregate classification (germline): Conflicting classifications of pathogenicity. Review status: criteria provided, conflicting classifications (1 of 4 stars). 3 submissions from 3 submitters: Uncertain significance (2); Likely benign (1). Last evaluated 2025-04-21.

Conditions:
Charcot-Marie-Tooth disease. Also called: Charcot-Marie-Tooth Hereditary Neuropathy; Charcot-Marie-Tooth Neuropathy. Identifiers: Orphanet 166, MedGen C0007959, MONDO:0015626.
Charcot-Marie-Tooth disease axonal type 2C (HMSN2C). Also called: Charcot-Marie-Tooth Disease Type 2, TRPV4-Related (CMT2C); CHARCOT-MARIE-TOOTH DISEASE, AXONAL, AUTOSOMAL DOMINANT, TYPE 2C; Charcot-Marie-Tooth Neuropathy Type 2C. Identifiers: Orphanet 99937, MedGen C1853710, MONDO:0011633, OMIM 606071.

gnomAD v4.1: 15 of 1,614,102 alleles (0.00093%); highest among the groups gnomAD compares: East Asian, 0.0045%; no homozygotes.

Submissions (3):

Labcorp Genetics (formerly Invitae), Labcorp
Classification: Uncertain significance for Charcot-Marie-Tooth disease axonal type 2C. Last evaluated: 2025-04-21. Review status: criteria provided, single submitter. Criteria: Invitae Variant Classification Sherloc (09022015). Collection method: clinical testing. Allele origin: germline.
Comment: This sequence change replaces aspartic acid, which is acidic and polar, with asparagine, which is neutral and polar, at codon 347 of the TRPV4 protein (p.Asp347Asn). This variant is present in population databases (no rsID available, gnomAD 0.006%). This missense change has been observed in individual(s) with suspected Charcot-Marie-Tooth disease (PMID: 32376792). ClinVar contains an entry for this variant (Variation ID: 916987). Invitae Evidence Modeling of protein sequence and biophysical properties (such as structural, functional, and spatial information, amino acid conservation, physicochemical variation, residue mobility, and thermodynamic stability) has been performed for this missense variant. However, the output from this modeling did not meet the statistical confidence thresholds required to predict the impact of this variant on TRPV4 protein function. In summary, the available evidence is currently insufficient to determine the role of this variant in disease. Therefore, it has been classified as a Variant of Uncertain Significance.

GeneDx
Classification: Likely benign. Last evaluated: 2019-01-02. Review status: criteria provided, single submitter. Criteria: GeneDx Variant Classification Process June 2021. Collection method: clinical testing. Allele origin: germline. Affected: yes.
Comment: See Variant Classification Assertion Criteria.

Molecular Genetics Laboratory, London Health Sciences Centre
Classification: Uncertain significance for Charcot-Marie-Tooth disease. Review status: criteria provided, single submitter. Criteria: ACMG Guidelines, 2015. Collection method: clinical testing. Allele origin: germline. Affected: yes.

Literature cited by the submitters: PubMed 32376792 (cited by Labcorp Genetics (formerly Invitae), Labcorp).

NM_021625.5(TRPV4):c.1039G>A (p.Asp347Asn)

Gene: TRPV4 (transient receptor potential cation channel subfamily V member 4; minus strand). Cytogenetic location: 12q24.11.
Variant type: single nucleotide variant.
Coding change: c.1039G>A on transcript NM_021625.5 (MANE Select); coding-DNA position 1039, G replaced by A.
Protein change: p.Asp347Asn; replaces aspartic acid 347 with asparagine.
Molecular consequence: missense variant.
Genome position (GRCh38, 1-based): chr12:109,798,727, C>T on the plus strand (G>A on the coding strand, the complement: TRPV4 is on the minus strand). VCF-style: chr12-109798727-C-T. GRCh37 (hg19) VCF-style: chr12-110236532-C-T.
Other names: c.898G>A, p.Asp300Asn (NM_001177428.2, NM_001177433.2); c.937G>A, p.Asp313Asn (NM_001177431.2); c.1039G>A, p.Asp347Asn (NM_147204.3); short protein forms D300N, D313N, D347N.
Identifiers: ClinVar variation 916987 (VCV000916987.9), dbSNP rs1006063188, ClinGen allele CA386654411.